The following is an entry in ClinVar:

ClinVar aggregate classification (germline): Conflicting classifications of pathogenicity. Review status: criteria provided, conflicting classifications (1 of 4 stars). 3 submissions from 3 submitters: Likely pathogenic (1); Uncertain significance (2). Last evaluated 2026-07-27.

Conditions:
Fibrosis of extraocular muscles, congenital, 3A, with or without extraocular involvement. Also called: FEOM3 LOCUS; CONGENITAL FIBROSIS OF EXTRAOCULAR MUSCLES 3A. Identifiers: MedGen C2748801, MONDO:0010912, OMIM 600638.
Complex cortical dysplasia with other brain malformations 1. Identifiers: Orphanet 300570, MedGen C3808397, MONDO:0013541, OMIM 614039.

Submissions (3):

Center for Human Genetics and Genomic Medicine, Uniklinik Rwth Aachen
Classification: Likely pathogenic for Fibrosis of extraocular muscles, congenital, 3A, with or without extraocular involvement. Last evaluated: 2026-07-27. Review status: criteria provided, single submitter. Criteria: ACMG Guidelines, 2015. Collection method: clinical testing. Allele origin: de novo. Inheritance: Autosomal dominant inheritance. Affected: yes. Observed: 1 variant allele, 1 heterozygote.
Comment: The variant is absent from large population studies (PM2_sup). Bioinformatic prediction tools indicate a pathogenicity of the variant (PP3_sup). Missense variants in TUBB3 are known to be pathogenic (PP2). The variant was not detected in the parents (maternity and paternity confirmed) (PS2).

Victorian Clinical Genetics Services, Murdoch Childrens Research Institute
Classification: Uncertain significance for Complex cortical dysplasia with other brain malformations 1. Last evaluated: 2025-10-30. Review status: criteria provided, single submitter. Criteria: ACMG Guidelines, 2015. Collection method: clinical testing. Allele origin: germline. Affected: yes.
Comment: This variant is classified as VUS-3A. Evidence in support of pathogenic classification: Variant is absent from gnomAD (v2, v3 and v4); Another missense variant comparable to the one identified in this case has limited previous evidence for pathogenicity. p.(Met403Ile) has been classified as likely pathogenic by a clinical laboratory in ClinVar; Missense variant predicted to be damaging by in silico tool(s) or highly conserved with a major amino acid change. Additional information: Variant is predicted to result in a missense amino acid change from Met to Val; This variant is heterozygous; This gene is associated with autosomal dominant disease; This variant has no previous evidence of pathogenicity; No published evidence of segregation with disease has been identified for this variant; No published functional evidence has been identified for this variant; Variant is not located in an established domain, motif, hotspot or informative constraint region; Dominant negative is a known mechanism of disease in this gene and is associated with cortical dysplasia, complex, with other brain malformations 1 (MIM#614039) and fibrosis of extraocular muscles, congenital, 3A (MIM#600638) (PMID: 31219644); Inheritance information for this variant is not currently available in this individual.

GeneDx
Classification: Uncertain significance. Last evaluated: 2025-05-28. Review status: criteria provided, single submitter. Criteria: GeneDx Variant Classification Process June 2021. Collection method: clinical testing. Allele origin: germline. Affected: yes.
Comment: Not observed at significant frequency in large population cohorts (gnomAD); Missense variants in this gene are a common cause of disease and they are underrepresented in the general population; In silico analysis supports that this missense variant has a deleterious effect on protein structure/function; Has not been previously published as pathogenic or benign to our knowledge; This variant is associated with the following publications: (PMID: 20829227)

Literature cited by the submitters: PubMed 31219644 (cited by Victorian Clinical Genetics Services, Murdoch Childrens Research Institute).

NM_006086.4(TUBB3):c.1207A>G (p.Met403Val)

Gene: TUBB3 (tubulin beta 3 class III; plus strand). Cytogenetic location: 16q24.3.
Variant type: single nucleotide variant.
Coding change: c.1207A>G on transcript NM_006086.4 (MANE Select); coding-DNA position 1207, A replaced by G.
Protein change: p.Met403Val; replaces methionine 403 with valine.
Molecular consequence: missense variant.
Genome position (GRCh38, 1-based): chr16:89,935,658, A>G. VCF-style: chr16-89935658-A-G. GRCh37 (hg19) VCF-style: chr16-90002066-A-G.
Other names: c.1207A>G (NM_006086.3); c.991A>G, p.Met331Val (NM_001197181.2); short protein forms M331V, M403V.
Identifiers: ClinVar variation 4531630 (VCV004531630.3).